The following is an entry in ClinVar:

NM_001243133.2(NLRP3):c.1639A>T (p.Ser547Cys)

Gene: NLRP3 (NLR family pyrin domain containing 3; plus strand). Cytogenetic location: 1q44.
Variant type: single nucleotide variant.
Coding change: c.1639A>T on transcript NM_001243133.2 (MANE Select); coding-DNA position 1639, A replaced by T.
Protein change: p.Ser547Cys; replaces serine 547 with cysteine.
Molecular consequence: missense variant.
Genome position (GRCh38, 1-based): chr1:247,425,088, A>T. VCF-style: chr1-247425088-A-T. GRCh37 (hg19) VCF-style: chr1-247588390-A-T.
Other names: c.1639A>T, p.Ser547Cys (NM_001079821.3, NM_001127461.3, NM_001127462.3 and 1 more transcripts); c.1645A>T, p.Ser549Cys (NM_004895.5); short protein forms S549C, S547C.
Identifiers: ClinVar variation 536887 (VCV000536887.33), dbSNP rs139833874, ClinGen allele CA1495048.
Genomic context (GRCh38, chr1:247,425,088, plus strand): 5'-TTTGCCGCCATGTACTACCTGCTGGAAGAGGAAAAGGAAGGAAGGACGAACGTTCCAGGG[A>T]GTCGTTTGAAGCTTCCCAGCCGAGACGTGACAGTCCTTCTGGAAAACTATGGCAAATTCG-3'
Protein context (NP_001230062.1, residues 537-557): EKEGRTNVPG[Ser547Cys]RLKLPSRDVT

ClinVar aggregate classification (germline): Conflicting classifications of pathogenicity. Review status: criteria provided, conflicting classifications (1 of 4 stars). 11 submissions from 10 submitters: Uncertain significance (4); Benign (1); Likely benign (5). 1 of the submissions does not count toward it. Last evaluated 2026-01-07.

Conditions:
Keratitis fugax hereditaria. Also called: KERATOENDOTHELIITIS FUGAX HEREDITARIA. Identifiers: Orphanet 647815, MedGen C1835697, MONDO:0007849, OMIM 148200.
Hearing loss, autosomal dominant 34, with or without inflammation. Also called: DEAFNESS, AUTOSOMAL DOMINANT 34, WITH OR WITHOUT INFLAMMATION. Identifiers: MedGen C4521680, MONDO:0033261, OMIM 617772.
Chronic infantile neurological, cutaneous and articular syndrome (CINCA). Also called: CINCA syndrome; CRYOPYRIN-ASSOCIATED PERIODIC SYNDROME 3; CHRONIC NEUROLOGIC CUTANEOUS AND ARTICULAR SYNDROME; Prieur Griscelli syndrome. Identifiers: Orphanet 1451, MedGen C0409818, MONDO:0011776, OMIM 607115.
Familial cold autoinflammatory syndrome 1 (FCAS1). Also called: CRYOPYRIN-ASSOCIATED PERIODIC SYNDROME 1; Familial cold inflammatory syndrome 1. Identifiers: Orphanet 47045, MedGen C4551895, MONDO:0007349, OMIM 120100.
Familial amyloid nephropathy with urticaria AND deafness (MWS). Also called: UDA SYNDROME; URTICARIA-DEAFNESS-AMYLOIDOSIS SYNDROME; CRYOPYRIN-ASSOCIATED PERIODIC SYNDROME 2; MUCKLE-WELLS SYNDROME; Urticaria, deafness and amyloidosis. Identifiers: Orphanet 575, MedGen C0268390, MONDO:0008633, OMIM 191900.
NLRP3-related disorder. Also called: NLRP3-related condition; NLRP3-Related Disorders.
Cryopyrin associated periodic syndrome (CAPS). Identifiers: Orphanet 208650, MedGen C2316212, MONDO:0016168.

Allele frequency attached by ClinVar (database versions not stated): gnomAD exomes 0.00009 and 0.00028; ExAC 0.00037; 1000 Genomes Project 30x 0.00047; 1000 Genomes Project 0.00060; gnomAD 0.00061; ESP Exome Variant Server 0.00108; TOPMed 0.00124.
gnomAD v4.1: 281 of 1,614,140 alleles (0.017%); highest among the groups gnomAD compares: African/African-American, 0.32%; 1 homozygote.

Submissions (11):

Labcorp Genetics (formerly Invitae), Labcorp
Classification: Likely benign for Cryopyrin associated periodic syndrome. Last evaluated: 2026-01-07. Review status: criteria provided, single submitter. Criteria: Invitae Variant Classification Sherloc (09022015). Collection method: clinical testing. Allele origin: germline.

GeneDx
Classification: Uncertain significance. Last evaluated: 2025-04-18. Review status: criteria provided, single submitter. Criteria: GeneDx Variant Classification Process June 2021. Collection method: clinical testing. Allele origin: germline. Affected: yes.
Comment: Observed in two patients with NLRP3-related disorders in the published literature (PMID: 19302049, Brighouse 2018 DOI 10.1093/rheumatology/key273.008); In silico analysis indicates that this missense variant does not alter protein structure/function; Also known as p.S547C; This variant is associated with the following publications: (PMID: 19302049)

Mayo Clinic Laboratories, Mayo Clinic
Classification: Likely benign. Last evaluated: 2024-10-24. Review status: criteria provided, single submitter. Criteria: ACMG Guidelines, 2015. Collection method: clinical testing. Allele origin: germline. Observed: 2 variant alleles.
Comment: BS1

Blueprint Genetics
Classification: Likely benign. Last evaluated: 2024-06-28. Review status: criteria provided, single submitter. Criteria: ACMG Guidelines, 2015. Collection method: clinical testing. Allele origin: germline.

ARUP Laboratories, Molecular Genetics and Genomics, ARUP Laboratories
Classification: Likely benign. Last evaluated: 2024-03-21. Review status: criteria provided, single submitter. Criteria: ARUP Molecular Germline Variant Investigation Process 2024. Collection method: clinical testing. Allele origin: germline.

Johns Hopkins Genomics, Johns Hopkins University
Classification: Uncertain significance for Hearing loss, autosomal dominant 34, with or without inflammation. Last evaluated: 2022-06-01. Review status: criteria provided, single submitter. Criteria: ACMG Guidelines, 2015. Collection method: clinical testing. Allele origin: germline.
Comment: This NLRP3 variant (rs139833874) has been identified in a large population dataset and the minor allele frequency is neither low enough to consider the variant rare (<0.1%) nor high enough to consider it a population polymorphism (>1%) within the African/African American subpopulation (gnomAD: 81/24950 alleles; 0.3%; no homozygotes). This variant has been reported in ClinVar and in two meeting abstracts describing individuals with NLRP3-AID. This missense change affects a residue in the helical 2 (HD2) subdomain of the NLRP3 protein but does not occur in any known hotspot associated with NLRP3-AID. Three bioinformatic tools queried predict that the substitution would be tolerated, but these algorithms have low specificity, especially for predicting gain of function variants. The serine residue at this position is conserved across primates, but weakly conserved across other vertebrate species assessed. Bioinformatic analysis predicts that this missense variant would not affect normal exon 4 splicing, although this has not been confirmed experimentally to our knowledge. We consider the clinical significance of this variant to be uncertain at this time. knowledge. Due to insufficient evidence, we consider the clinical significance of c.1639A>T to be uncertain at this time.

Athena Diagnostics
Classification: Benign. Last evaluated: 2019-03-21. Review status: criteria provided, single submitter. Criteria: Athena Diagnostics Criteria. Collection method: clinical testing. Allele origin: germline.

Laboratory for Molecular Medicine, Mass General Brigham Personalized Medicine
Classification: Likely benign. Last evaluated: 2019-01-16. Review status: criteria provided, single submitter. Criteria: LMM Criteria. Collection method: clinical testing. Allele origin: germline. Observed: 1 variant allele.
Comment: The p.Ser549Cys variant in NLRP3 is classified as likely benign because it has b een identified in 0.3% (81/24950) of African chromosomes by gnomAD. Computational prediction tools and conservation analysis suggest that this variant may not impact the protein. ACMG/AMP Criteria applied: BS1, BP4.

Center for Genomics, Ann and Robert H. Lurie Children's Hospital of Chicago
Classification: Uncertain significance for Chronic infantile neurological, cutaneous and articular syndrome; Familial cold autoinflammatory syndrome 1; Familial amyloid nephropathy with urticaria AND deafness. Last evaluated: 2018-12-03. Review status: criteria provided, single submitter. Criteria: ACMG Guidelines, 2015. Collection method: clinical testing. Allele origin: germline.
Comment: NLRP3 NM_004895.4 exon 4 p.Ser549Cys (c.1645A>T): This variant has not been reported in the literature and is present in 0.3% (81/24950) of African alleles in the Genome Aggregation Database. This variant is present in ClinVar (Variation ID:536887). Evolutionary conservation and computational predictive tools suggest that this variant may not impact the protein. In summary, data on this variant is insufficient for disease classification. Therefore, the clinical significance of this variant is uncertain.

Center for Genomics, Ann and Robert H. Lurie Children's Hospital of Chicago
Classification: Uncertain significance for Chronic infantile neurological, cutaneous and articular syndrome; Familial cold autoinflammatory syndrome 1; Keratitis fugax hereditaria; Hearing loss, autosomal dominant 34, with or without inflammation; Familial amyloid nephropathy with urticaria AND deafness. Review status: criteria provided, single submitter. Criteria: ACMG Guidelines, 2015. Collection method: clinical testing. Allele origin: germline.
Comment: the same text as in the submission from Center for Genomics, Ann and Robert H. Lurie Children's Hospital of Chicago above.

PreventionGenetics, part of Exact Sciences
Classification: Likely benign for NLRP3-related condition. Last evaluated: 2020-02-14. Review status: no assertion criteria provided. Collection method: clinical testing. Allele origin: germline. Not counted in ClinVar's aggregate classification.
Comment: This variant is classified as likely benign based on ACMG/AMP sequence variant interpretation guidelines (Richards et al. 2015 PMID: 25741868, with internal and published modifications).

Literature cited by the submitters: PubMed 27612399 (cited by Johns Hopkins Genomics, Johns Hopkins University); PubMed 28692792 (cited by Johns Hopkins Genomics, Johns Hopkins University); PubMed 33329557 (cited by Johns Hopkins Genomics, Johns Hopkins University).